The following is an entry in ClinVar:

NM_015910.7(WDPCP):c.1417G>A (p.Val473Met)

Gene: WDPCP (WD repeat containing planar cell polarity effector; minus strand). Cytogenetic location: 2p15.
Variant type: single nucleotide variant.
Coding change: c.1417G>A on transcript NM_015910.7 (MANE Select); coding-DNA position 1417, G replaced by A.
Protein change: p.Val473Met; replaces valine 473 with methionine.
Molecular consequence: missense variant. On other transcripts: non-coding transcript variant (3).
Genome position (GRCh38, 1-based): chr2:63,404,066, C>T on the plus strand (G>A on the coding strand, the complement: WDPCP is on the minus strand). VCF-style: chr2-63404066-C-T. GRCh37 (hg19) VCF-style: chr2-63631201-C-T.
Other names: c.1417G>A (NM_015910.5); c.940G>A, p.Val314Met (NM_001042692.3); c.1345G>A, p.Val449Met (NM_001354044.2); c.1417G>A, p.Val473Met (NM_001354045.2); short protein forms V473M, V449M, V314M.
Identifiers: ClinVar variation 1404182 (VCV001404182.9), dbSNP rs374807784, ClinGen allele CA1682240.

ClinVar aggregate classification (germline): Uncertain significance. Review status: criteria provided, multiple submitters, no conflicts (2 of 4 stars). 3 submissions from 3 submitters: Uncertain significance (2). 1 of the submissions does not count toward it. Last evaluated 2023-07-17.

Conditions:
WDPCP-related disorder. Also called: WDPCP-related condition.
Bardet-Biedl syndrome (BBS). Identifiers: Orphanet 110, MedGen C0752166, MONDO:0015229.
Heart defect - tongue hamartoma - polysyndactyly syndrome. Also called: Congenital heart defects, hamartomas of tongue, and polysyndactyly. Identifiers: Orphanet 1338, MedGen C1857587, MONDO:0009008, OMIM 217085.
Bardet-Biedl syndrome 15 (BBS15). Identifiers: Orphanet 110, MedGen C3150127, MONDO:0014443, OMIM 615992.

Allele frequency attached by ClinVar (database versions not stated): gnomAD exomes 0.00001 and 0.00002; ExAC 0.00002; gnomAD 0.00003 and 0.00004; TOPMed 0.00006; ESP Exome Variant Server 0.00008.
gnomAD v4.1: 10 of 1,613,958 alleles (0.00062%); highest among the groups gnomAD compares: African/African-American, 0.013%; no homozygotes.

Submissions (3):

Labcorp Genetics (formerly Invitae), Labcorp
Classification: Uncertain significance for Bardet-Biedl syndrome. Last evaluated: 2023-07-17. Review status: criteria provided, single submitter. Criteria: Invitae Variant Classification Sherloc (09022015). Collection method: clinical testing. Allele origin: germline.
Comment: ClinVar contains an entry for this variant (Variation ID: 1404182). In summary, the available evidence is currently insufficient to determine the role of this variant in disease. Therefore, it has been classified as a Variant of Uncertain Significance. Advanced modeling of protein sequence and biophysical properties (such as structural, functional, and spatial information, amino acid conservation, physicochemical variation, residue mobility, and thermodynamic stability) performed at Invitae indicates that this missense variant is not expected to disrupt WDPCP protein function. This variant has not been reported in the literature in individuals affected with WDPCP-related conditions. This variant is present in population databases (rs374807784, gnomAD 0.03%). This sequence change replaces valine, which is neutral and non-polar, with methionine, which is neutral and non-polar, at codon 473 of the WDPCP protein (p.Val473Met).

Fulgent Genetics
Classification: Uncertain significance for Heart defect - tongue hamartoma - polysyndactyly syndrome; Bardet-Biedl syndrome 15. Last evaluated: 2021-10-18. Review status: criteria provided, single submitter. Criteria: ACMG Guidelines, 2015. Collection method: clinical testing. Allele origin: unknown.

PreventionGenetics, part of Exact Sciences
Classification: Uncertain significance for WDPCP-related condition. Last evaluated: 2024-01-03. Review status: no assertion criteria provided. Collection method: clinical testing. Allele origin: germline. Not counted in ClinVar's aggregate classification.
Comment: The WDPCP c.1417G>A variant is predicted to result in the amino acid substitution p.Val473Met. To our knowledge, this variant has not been reported in the literature. This variant is reported in 0.026% of alleles in individuals of African descent in gnomAD. At this time, the clinical significance of this variant is uncertain due to the absence of conclusive functional and genetic evidence.